The following is an entry in ClinVar:

NM_001267550.2(TTN):c.24909G>A (p.Lys8303=)

Gene: TTN (titin; minus strand). Cytogenetic location: 2q31.2.
Variant type: single nucleotide variant.
Coding change: c.24909G>A on transcript NM_001267550.2 (MANE Select); coding-DNA position 24909, G replaced by A.
Protein change: p.Lys8303=; no amino-acid change (lysine 8303 retained).
Molecular consequence: synonymous variant. On other transcripts: intron variant (3).
Genome position (GRCh38, 1-based): chr2:178,718,097, C>T on the plus strand (G>A on the coding strand, the complement: TTN is on the minus strand). VCF-style: chr2-178718097-C-T. GRCh37 (hg19) VCF-style: chr2-179582824-C-T.
Other names: p.K7059K:AAG>AAA; p.Lys7059=; c.23958G>A, p.Lys7986= (NM_001256850.1); c.21177G>A, p.Lys7059= (NM_133378.4); c.13282+19985G>A (NM_003319.4); c.13858+19985G>A (NM_133437.4); c.13657+19985G>A (NM_133432.3).
Identifiers: ClinVar variation 46743 (VCV000046743.49), dbSNP rs72648983, ClinGen allele CA282907.
Genomic context (GRCh38, chr2:178,718,097, plus strand): 5'-GATTACTAAGGAAGCAACGTTATTTTTGAATTGCATTTTATATGCAGGAGCTGATCGTAG[C>T]TTTGTGTGTTCTTTATACCAAGAAATTCTAATTTCTGGAGTTCCATCCACTTTACACTGT-3'
Protein context (NP_001254479.2, residues 8293-8313): IRISWYKEHT[Lys8303=]LRSAPAYKMQ

ClinVar aggregate classification (germline): Benign/Likely benign. Review status: criteria provided, multiple submitters, no conflicts (2 of 4 stars). 26 submissions from 19 submitters: Benign (17); Likely benign (4). 5 of the submissions do not count toward it. Last evaluated 2026-02-04.

Conditions:
Dilated cardiomyopathy 1G (CMD1G). Identifiers: Orphanet 154, MedGen C1858763, MONDO:0011400, OMIM 604145.
Autosomal recessive limb-girdle muscular dystrophy type 2J (LGMDR10). Also called: MUSCULAR DYSTROPHY, LIMB-GIRDLE, AUTOSOMAL RECESSIVE 10; Limb-girdle muscular dystrophy, type 2J. Identifiers: Orphanet 140922, MedGen C1837342, MONDO:0012127, OMIM 608807.
Cardiovascular phenotype. Identifiers: MedGen CN230736.
Early-onset myopathy with fatal cardiomyopathy (CMYO5). Also called: CONGENITAL MYOPATHY 5 WITH CARDIOMYOPATHY; Salih Myopathy. Identifiers: Orphanet 289377, MedGen C2673677, MONDO:0012714, OMIM 611705. Disease mechanism: loss of function.
Myopathy, myofibrillar, 9, with early respiratory failure (MFM9). Also called: Myopathy, distal, with early respiratory failure, autosomal dominant; Hereditary myopathy with early respiratory failure; MYOPATHY, PROXIMAL, WITH EARLY RESPIRATORY MUSCLE INVOLVEMENT; EDSTROM MYOPATHY. Identifiers: Orphanet 178464, Orphanet 34521, MedGen C1863599, MONDO:0011362, OMIM 603689.
Tibial muscular dystrophy (TMD). Also called: Udd Distal Myopathy – Tibial Muscular Dystrophy; Tibial muscular dystrophy, tardive; UDD MYOPATHY. Identifiers: Orphanet 609, MedGen C1838244, MONDO:0010870, OMIM 600334.

Allele frequency attached by ClinVar (database versions not stated): gnomAD 0.01842 and 0.01872; gnomAD exomes 0.01005 and 0.01300; ESP Exome Variant Server 0.01616; ExAC 0.01366; TOPMed 0.01893; 1000 Genomes Project 0.02356; 1000 Genomes Project 30x 0.02436.
gnomAD v4.1: 17,572 of 1,613,106 alleles (1.1%); highest among the groups gnomAD compares: African/African-American, 3.7%; 143 homozygotes.

Submissions (26):

Labcorp Genetics (formerly Invitae), Labcorp
Classification: Benign for Dilated cardiomyopathy 1G; Autosomal recessive limb-girdle muscular dystrophy type 2J. Last evaluated: 2026-02-04. Review status: criteria provided, single submitter. Criteria: Invitae Variant Classification Sherloc (09022015). Collection method: clinical testing. Allele origin: germline.

ARUP Laboratories, Molecular Genetics and Genomics, ARUP Laboratories
Classification: Benign. Last evaluated: 2025-06-25. Review status: criteria provided, single submitter. Criteria: ARUP Molecular Germline Variant Investigation Process 2024. Collection method: clinical testing. Allele origin: germline.

Molecular Diagnostic Laboratory for Inherited Cardiovascular Disease, Montreal Heart Institute
Classification: Benign. Last evaluated: 2025-04-09. Review status: criteria provided, single submitter. Criteria: ACMG Guidelines, 2015. Collection method: clinical testing. Allele origin: germline. Affected: no.

Blueprint Genetics
Classification: Likely benign. Last evaluated: 2024-11-25. Review status: criteria provided, single submitter. Criteria: ACMG Guidelines, 2015. Collection method: clinical testing. Allele origin: germline.

Genome-Nilou Lab
Classification: Benign for Autosomal recessive limb-girdle muscular dystrophy type 2J. Last evaluated: 2021-09-10. Review status: criteria provided, single submitter. Criteria: ACMG Guidelines, 2015. Collection method: clinical testing. Allele origin: germline. Affected: no.

Genome-Nilou Lab
Classification: Benign for Myopathy, myofibrillar, 9, with early respiratory failure. Last evaluated: 2021-09-10. Review status: criteria provided, single submitter. Criteria: ACMG Guidelines, 2015. Collection method: clinical testing. Allele origin: germline. Affected: no.

Genome-Nilou Lab
Classification: Benign for Early-onset myopathy with fatal cardiomyopathy. Last evaluated: 2021-09-10. Review status: criteria provided, single submitter. Criteria: ACMG Guidelines, 2015. Collection method: clinical testing. Allele origin: germline. Affected: no.

Genome-Nilou Lab
Classification: Benign for Tibial muscular dystrophy. Last evaluated: 2021-09-10. Review status: criteria provided, single submitter. Criteria: ACMG Guidelines, 2015. Collection method: clinical testing. Allele origin: germline. Affected: no.

Women's Health and Genetics/Laboratory Corporation of America, LabCorp
Classification: Benign. Last evaluated: 2020-06-13. Review status: criteria provided, single submitter. Criteria: LabCorp Variant Classification Summary - May 2015. Collection method: clinical testing. Allele origin: germline.

Mayo Clinic Laboratories, Mayo Clinic
Classification: Benign. Last evaluated: 2018-12-06. Review status: criteria provided, single submitter. Criteria: ACMG Guidelines, 2015. Collection method: clinical testing. Allele origin: germline. Observed: 55 variant alleles.

Illumina Laboratory Services, Illumina
Classification: Benign for Tibial muscular dystrophy. Last evaluated: 2018-01-12. Review status: criteria provided, single submitter. Criteria: ICSL Variant Classification Criteria 13 December 2019. Collection method: clinical testing. Allele origin: germline.
Comment: This variant was observed in the ICSL laboratory as part of a predisposition screen in an ostensibly healthy population. It had not been previously curated by ICSL or reported in the Human Gene Mutation Database (HGMD: prior to June 1st, 2018), and was therefore a candidate for classification through an automated scoring system. Utilizing variant allele frequency, disease prevalence and penetrance estimates, and inheritance mode, an automated score was calculated to assess if this variant is too frequent to cause the disease. Based on the score and internal cut-off values, a variant classified as benign is not then subjected to further curation. The score for this variant resulted in a classification of benign for this disease.

Illumina Laboratory Services, Illumina
Classification: Benign for Myopathy, myofibrillar, 9, with early respiratory failure. Last evaluated: 2018-01-12. Review status: criteria provided, single submitter. Criteria: ICSL Variant Classification Criteria 13 December 2019. Collection method: clinical testing. Allele origin: germline.
Comment: the same text as in the submission from Illumina Laboratory Services, Illumina above.

Illumina Laboratory Services, Illumina
Classification: Likely benign for Autosomal recessive limb-girdle muscular dystrophy type 2J. Last evaluated: 2018-01-12. Review status: criteria provided, single submitter. Criteria: ICSL Variant Classification Criteria 13 December 2019. Collection method: clinical testing. Allele origin: germline.
Comment: This variant was observed in the ICSL laboratory as part of a predisposition screen in an ostensibly healthy population. It had not been previously curated by ICSL or reported in the Human Gene Mutation Database (HGMD: prior to June 1st, 2018), and was therefore a candidate for classification through an automated scoring system. Utilizing variant allele frequency, disease prevalence and penetrance estimates, and inheritance mode, an automated score was calculated to assess if this variant is too frequent to cause the disease. Based on the score and internal cut-off values, a variant classified as likely benign is not then subjected to further curation. The score for this variant resulted in a classification of likely benign for this disease.

Illumina Laboratory Services, Illumina
Classification: Likely benign for Dilated cardiomyopathy 1G. Last evaluated: 2018-01-12. Review status: criteria provided, single submitter. Criteria: ICSL Variant Classification Criteria 13 December 2019. Collection method: clinical testing. Allele origin: germline.
Comment: the same text as in the submission from Illumina Laboratory Services, Illumina above.

Illumina Laboratory Services, Illumina
Classification: Benign for Early-onset myopathy with fatal cardiomyopathy. Last evaluated: 2018-01-12. Review status: criteria provided, single submitter. Criteria: ICSL Variant Classification Criteria 13 December 2019. Collection method: clinical testing. Allele origin: germline.
Comment: the same text as in the submission from Illumina Laboratory Services, Illumina above.

Athena Diagnostics
Classification: Benign. Last evaluated: 2015-02-13. Review status: criteria provided, single submitter. Criteria: Athena Diagnostics Criteria. Collection method: clinical testing. Allele origin: germline.

GeneDx
Classification: Benign. Last evaluated: 2013-07-11. Review status: criteria provided, single submitter. Criteria: GeneDx Variant Classification (06012015). Collection method: clinical testing. Allele origin: germline. Affected: yes.
Comment: This variant is considered likely benign or benign based on one or more of the following criteria: it is a conservative change, it occurs at a poorly conserved position in the protein, it is predicted to be benign by multiple in silico algorithms, and/or has population frequency not consistent with disease.

Ambry Genetics
Classification: Benign for Cardiovascular phenotype. Last evaluated: 2013-03-06. Review status: criteria provided, single submitter. Criteria: Ambry Autosomal Dominant and X-Linked criteria (10/2015). Collection method: clinical testing. Allele origin: germline. Observed: 1 variant allele.

Laboratory for Molecular Medicine, Mass General Brigham Personalized Medicine
Classification: Benign. Last evaluated: 2011-12-23. Review status: criteria provided, single submitter. Criteria: LMM Criteria. Collection method: clinical testing. Allele origin: germline. Observed: 66 variant alleles.

Breakthrough Genomics
Classification: Likely benign. Review status: criteria provided, single submitter. Criteria: ACMG Guidelines, 2015. Collection method: not provided. Allele origin: germline. Inheritance: Autosomal recessive inheritance. Affected: yes.

PreventionGenetics, part of Exact Sciences
Classification: Benign. Review status: criteria provided, single submitter. Criteria: ACMG Guidelines, 2015. Collection method: clinical testing. Allele origin: germline.

Clinical Genetics DNA and cytogenetics Diagnostics Lab, Erasmus MC, Erasmus Medical Center
Classification: Benign. Review status: no assertion criteria provided. Collection method: clinical testing. Allele origin: germline. Affected: yes. Study: VKGL Data-share Consensus. Not counted in ClinVar's aggregate classification.

Clinical Genetics, Academic Medical Center
Classification: Benign. Review status: no assertion criteria provided. Collection method: clinical testing. Allele origin: germline. Affected: yes. Study: VKGL Data-share Consensus. Not counted in ClinVar's aggregate classification.

Genetic Services Laboratory, University of Chicago
Classification: Likely benign for AllHighlyPenetrant. Review status: no assertion criteria provided. Collection method: clinical testing. Allele origin: germline. Not counted in ClinVar's aggregate classification.
Comment: Likely benign based on allele frequency in 1000 Genomes Project or ESP global frequency and its presence in a patient with a rare or unrelated disease phenotype. NOT Sanger confirmed.

Joint Genome Diagnostic Labs from Nijmegen and Maastricht, Radboudumc and MUMC+
Classification: Benign. Review status: no assertion criteria provided. Collection method: clinical testing. Allele origin: germline. Affected: yes. Study: VKGL Data-share Consensus. Not counted in ClinVar's aggregate classification.

Laboratory of Diagnostic Genome Analysis, Leiden University Medical Center (LUMC)
Classification: Likely benign. Review status: no assertion criteria provided. Collection method: clinical testing. Allele origin: germline. Affected: yes. Study: VKGL Data-share Consensus. Not counted in ClinVar's aggregate classification.